The following is an entry in ClinVar:

ClinVar aggregate classification (germline): Uncertain significance (1 of 4 stars; one submission).

Allele frequency attached by ClinVar (database versions not stated): gnomAD exomes below 0.00001; TOPMed below 0.00001.
gnomAD v4.1: 3 of 1,613,948 alleles (0.00019%); highest among the groups gnomAD compares: Non-Finnish European, 0.00025%; no homozygotes.

Submission:

Labcorp Genetics (formerly Invitae), Labcorp
Classification: Uncertain significance. Last evaluated: 2023-10-05. Review status: criteria provided, single submitter. Criteria: Invitae Variant Classification Sherloc (09022015). Collection method: clinical testing. Allele origin: germline.
Comment: This sequence change affects codon 307 of the KLHL7 mRNA. It is a 'silent' change, meaning that it does not change the encoded amino acid sequence of the KLHL7 protein. This variant is not present in population databases (gnomAD no frequency). This variant has not been reported in the literature in individuals affected with KLHL7-related conditions. Algorithms developed to predict the effect of sequence changes on RNA splicing suggest that this variant may disrupt the consensus splice site. In summary, the available evidence is currently insufficient to determine the role of this variant in disease. Therefore, it has been classified as a Variant of Uncertain Significance.

NM_001031710.3(KLHL7):c.921A>G (p.Arg307=)

Gene: KLHL7 (kelch like family member 7; plus strand). Cytogenetic location: 7p15.3.
Variant type: single nucleotide variant.
Coding change: c.921A>G on transcript NM_001031710.3 (MANE Select); coding-DNA position 921, A replaced by G.
Protein change: p.Arg307=; no amino-acid change (arginine 307 retained).
Molecular consequence: synonymous variant. On other transcripts: non-coding transcript variant (1).
Genome position (GRCh38, 1-based): chr7:23,152,194, A>G. VCF-style: chr7-23152194-A-G. GRCh37 (hg19) VCF-style: chr7-23191813-A-G.
Other names: c.777A>G, p.Arg259= (NM_018846.5).
Identifiers: ClinVar variation 2810837 (VCV002810837.3), dbSNP rs1784557340, ClinGen allele CA453991408.
Genomic context (GRCh38, chr7:23,152,194, plus strand): 5'-AAGAAAGAAACATGACTACCGCATAGCCCTATTTGGAGGCTCTCAACCACAGTCTTGTAG[A>G]TATTTTAACCCAAAGGTAACTAATTTTTATTCTTGGTTTTTGTTGTTGTCTTTGAAATCA-3'
Protein context (NP_001026880.2, residues 297-317): LFGGSQPQSC[Arg307=]YFNPKDYSWT